The following is an entry in ClinVar:

ClinVar aggregate classification (germline): Uncertain significance (1 of 4 stars; one submission).

Conditions:
Episodic ataxia type 2 (EA2). Also called: ACETAZOLAMIDE-RESPONSIVE HEREDITARY PAROXYSMAL CEREBELLAR ATAXIA; ATAXIA, EPISODIC, WITH NYSTAGMUS; ATAXIA, FAMILIAL PAROXYSMAL; CEREBELLAR ATAXIA, PAROXYSMAL, ACETAZOLAMIDE-RESPONSIVE; CEREBELLOPATHY, HEREDITARY PAROXYSMAL; EPISODIC ATAXIA, NYSTAGMUS-ASSOCIATED. Identifiers: Orphanet 97, MedGen C1720416, MONDO:0007163, OMIM 108500.
Developmental and epileptic encephalopathy, 42 (DEE42A). Also called: EPILEPTIC ENCEPHALOPATHY, EARLY INFANTILE, 42A; DEVELOPMENTAL AND EPILEPTIC ENCEPHALOPATHY 42A; Epileptic encephalopathy, early infantile, 42. Identifiers: MedGen C4310716, MONDO:0014917, OMIM 617106.

gnomAD v4.1: 6 of 1,598,382 alleles (0.00038%); highest among the groups gnomAD compares: South Asian, 0.0055%; no homozygotes.

Submission:

Labcorp Genetics (formerly Invitae), Labcorp
Classification: Uncertain significance for Developmental and epileptic encephalopathy, 42; Episodic ataxia type 2. Last evaluated: 2024-03-04. Review status: criteria provided, single submitter. Criteria: Invitae Variant Classification Sherloc (09022015). Collection method: clinical testing. Allele origin: germline.
Comment: This sequence change falls in intron 25 of the CACNA1A gene. It does not directly change the encoded amino acid sequence of the CACNA1A protein. It affects a nucleotide within the consensus splice site. This variant is present in population databases (rs781595676, gnomAD 0.01%). This variant has not been reported in the literature in individuals affected with CACNA1A-related conditions. ClinVar contains an entry for this variant (Variation ID: 2119248). Variants that disrupt the consensus splice site are a relatively common cause of aberrant splicing (PMID: 17576681, 9536098). Algorithms developed to predict the effect of sequence changes on RNA splicing suggest that this variant is not likely to affect RNA splicing. In summary, the available evidence is currently insufficient to determine the role of this variant in disease. Therefore, it has been classified as a Variant of Uncertain Significance.

Literature cited by the submitters: PubMed 17576681; PubMed 9536098.

NM_001127222.2(CACNA1A):c.4089+3G>T

Gene: CACNA1A (calcium voltage-gated channel subunit alpha1 A; minus strand). Cytogenetic location: 19p13.13.
Variant type: single nucleotide variant.
Coding change: c.4089+3G>T on transcript NM_001127222.2 (MANE Select); 3 bases into the intron after coding-DNA position 4089, G replaced by T.
Molecular consequence: intron variant.
Genome position (GRCh38, 1-based): chr19:13,262,731, C>A on the plus strand (G>T on the coding strand, the complement: CACNA1A is on the minus strand). VCF-style: chr19-13262731-C-A. GRCh37 (hg19) VCF-style: chr19-13373545-C-A.
Other names: c.4092+3G>T (NM_001127221.2, NM_001174080.2); c.4101+3G>T (NM_000068.4, NM_023035.3).
Identifiers: ClinVar variation 2119248 (VCV002119248.4), dbSNP rs781595676, ClinGen allele CA9240103.